The following is an entry in ClinVar:

NM_000218.3(KCNQ1):c.1514+491G>A

Genes: KCNQ1 (potassium voltage-gated channel subfamily Q member 1; plus strand), KCNQ1OT1 (KCNQ1 opposite strand/antisense transcript 1; minus strand). Cytogenetic location: 11p15.5.
Variant type: single nucleotide variant.
Coding change: c.1514+491G>A on transcript NM_000218.3 (MANE Select); 491 bases into the intron after coding-DNA position 1514, G replaced by A.
Molecular consequence: intron variant. On other transcripts: non-coding transcript variant (1).
Genome position (GRCh38, 1-based): chr11:2,662,572, G>A. VCF-style: chr11-2662572-G-A. GRCh37 (hg19) VCF-style: chr11-2683802-G-A.
Other names: c.1244+491G>A (NM_001406837.1); c.1418+491G>A (NM_001406836.1); c.974+491G>A (NM_001406838.1); c.1133+491G>A (NM_181798.2).
Identifiers: ClinVar variation 4874345 (VCV004874345.2).
Genomic context (GRCh38, chr11:2,662,572, plus strand): 5'-GGTGGAGGAAATGGCTGATTTTCCACGCCTTCCAGTTGGCCTTCCCCTGAGGCACAGCTG[G>A]CCTGGGATGCATGCCCGTCCTCCCCCGCCGTCACGGCATGGCCAGGCCAATCCCCGGTGC-3'

ClinVar aggregate classification (germline): Likely benign (1 of 4 stars; one submission).

gnomAD v4.1: 19 of 424,212 alleles (0.0045%); highest among the groups gnomAD compares: Admixed American, 0.07%; no homozygotes.

Submission:

CeGaT Center for Human Genetics Tuebingen
Classification: Likely benign. Last evaluated: 2026-06-01. Review status: criteria provided, single submitter. Criteria: CeGaT Center For Human Genetics Tuebingen Variant Classification Criteria Version 2. Collection method: clinical testing. Allele origin: germline. Affected: yes. Observed: 1 variant allele.
Comment: KCNQ1OT1: BS2